The following is an entry in ClinVar:

NM_014989.7(RIMS1):c.2567C>T (p.Ala856Val)

Gene: RIMS1 (regulating synaptic membrane exocytosis 1; plus strand). Cytogenetic location: 6q13.
Variant type: single nucleotide variant.
Coding change: c.2567C>T on transcript NM_014989.7 (MANE Select); coding-DNA position 2567, C replaced by T.
Protein change: p.Ala856Val; replaces alanine 856 with valine.
Molecular consequence: missense variant.
Genome position (GRCh38, 1-based): chr6:72,251,237, C>T. VCF-style: chr6-72251237-C-T. GRCh37 (hg19) VCF-style: chr6-72960940-C-T.
Other names: c.944C>T, p.Ala315Val (NM_001350473.2, NM_001350474.2, NM_001168410.2 and 2 more transcripts); c.989C>T, p.Ala330Val (NM_001168407.2, NM_001168408.2, NM_001350414.2 and 37 more transcripts); c.746C>T, p.Ala249Val (NM_001168409.2, NM_001350467.2, NM_001350468.2 and 6 more transcripts); c.920C>T, p.Ala307Val (NM_001350421.2, NM_001350424.2, NM_001350428.2 and 6 more transcripts); short protein forms A249V, A307V, A315V, A330V, A856V.
Identifiers: ClinVar variation 3616458 (VCV003616458.2).

ClinVar aggregate classification (germline): Uncertain significance (1 of 4 stars; one submission).

gnomAD v4.1: 4 of 1,597,926 alleles (0.00025%); highest among the groups gnomAD compares: South Asian, 0.0023%; no homozygotes.

Submission:

Labcorp Genetics (formerly Invitae), Labcorp
Classification: Uncertain significance. Last evaluated: 2024-10-02. Review status: criteria provided, single submitter. Criteria: Invitae Variant Classification Sherloc (09022015). Collection method: clinical testing. Allele origin: germline.
Comment: This sequence change replaces alanine, which is neutral and non-polar, with valine, which is neutral and non-polar, at codon 856 of the RIMS1 protein (p.Ala856Val). The frequency data for this variant in the population databases is considered unreliable, as metrics indicate poor data quality at this position in the gnomAD database. This variant has not been reported in the literature in individuals affected with RIMS1-related conditions. An algorithm developed to predict the effect of missense changes on protein structure and function (PolyPhen-2) suggests that this variant is likely to be disruptive. In summary, the available evidence is currently insufficient to determine the role of this variant in disease. Therefore, it has been classified as a Variant of Uncertain Significance.